The following is an entry in ClinVar:

NM_000719.7(CACNA1C):c.4957-12C>T

Genes: CACNA1C (calcium voltage-gated channel subunit alpha1 C; plus strand), CACNA1C-AS1 (CACNA1C antisense RNA 1; minus strand). Cytogenetic location: 12p13.33.
Variant type: single nucleotide variant.
Coding change: c.4957-12C>T on transcript NM_000719.7 (MANE Select); 12 bases into the intron before coding-DNA position 4957, C replaced by T.
Molecular consequence: intron variant. On other transcripts: non-coding transcript variant (1).
Genome position (GRCh38, 1-based): chr12:2,677,721, C>T. VCF-style: chr12-2677721-C-T. GRCh37 (hg19) VCF-style: chr12-2786887-C-T.
Other names: c.4957-12C>T (NM_001167624.3, NM_001167623.2, NM_001129840.2 and 4 more transcripts); c.4924-12C>T (NM_001167625.2, NM_001129846.2); c.5101-12C>T (NM_199460.4, NM_001129827.2); c.5017-12C>T (NM_001129832.2); c.5041-12C>T (NM_001129831.2); c.5014-12C>T (NM_001129833.2, NM_001129834.2, NM_001129835.2); c.5080-12C>T (NM_001129829.2); c.4981-12C>T (NM_001129837.2, NM_001129838.2); and 3 more.
Identifiers: ClinVar variation 517693 (VCV000517693.1), dbSNP rs1556045982, ClinGen allele CA477897701.

ClinVar aggregate classification (germline): Likely benign (1 of 4 stars; one submission).

gnomAD v4.1: 1 of 1,611,766 alleles (0.000062%); highest among the groups gnomAD compares: Non-Finnish European, 0.000085%; no homozygotes.

Submission:

GeneDx
Classification: Likely benign. Last evaluated: 2017-01-19. Review status: criteria provided, single submitter. Criteria: GeneDx Variant Classification (06012015). Collection method: clinical testing. Allele origin: germline. Affected: yes.
Comment: This variant is considered likely benign or benign based on one or more of the following criteria: it is a conservative change, it occurs at a poorly conserved position in the protein, it is predicted to be benign by multiple in silico algorithms, and/or has population frequency not consistent with disease.